The following is an entry in ClinVar:

ClinVar aggregate classification (germline): Likely pathogenic. Review status: criteria provided, multiple submitters, no conflicts (2 of 4 stars). 2 submissions from 2 submitters: Likely pathogenic (2). Last evaluated 2025-02-12.

Conditions:
Primary ciliary dyskinesia. Also called: Ciliary dyskinesia. Identifiers: Orphanet 244, MedGen C0008780, MONDO:0016575, HP:0012265.
Primary ciliary dyskinesia 7. Also called: CILIARY DYSKINESIA, PRIMARY, 7, WITH OR WITHOUT SITUS INVERSUS. Identifiers: Orphanet 244, MedGen C2678473, MONDO:0012748, OMIM 611884.

Allele frequency attached by ClinVar (database versions not stated): gnomAD exomes below 0.00001.

Submissions (2):

Broad Center for Mendelian Genomics, Broad Institute of MIT and Harvard
Classification: Likely pathogenic for Primary ciliary dyskinesia 7. Last evaluated: 2025-02-12. Review status: criteria provided, single submitter. Criteria: ACMG Guidelines, 2015. Collection method: curation. Allele origin: germline. Inheritance: Autosomal recessive inheritance.
Comment: The c.4817+1_4817+16del variant in DNAH11 has not been previously reported in the literature in individuals with primary ciliary dyskinesia, but has been identified in 0.002% (2/81182) of South Asian chromosomes by the Genome Aggregation Database (gnomAD. Although this variant has been seen in the general population in a heterozygous state, its frequency is low enough to be consistent with a recessive carrier frequency. This variant has also been reported in ClinVar (Variation ID: 1743317) and has been interpreted as likely pathogenic by Ambry Genetics. This variant is located in the 3' splice region. Computational tools predict a splicing impact, though this information is not predictive enough to determine pathogenicity. Loss of function of the DNAH11 gene is an established disease mechanism in autosomal recessive primary ciliary dyskinesia. In summary, although additional studies are required to fully establish its clinical significance, this variant is likely pathogenic for autosomal recessive primary ciliary dyskinesia. ACMG/AMP Criteria applied: PVS1, PM2_supporting (Richards 2015).

Ambry Genetics
Classification: Likely pathogenic for Primary ciliary dyskinesia. Last evaluated: 2018-07-12. Review status: criteria provided, single submitter. Criteria: Ambry Variant Classification Scheme 2023. Collection method: clinical testing. Allele origin: germline.
Comment: The c.4817+1_4817+16del16 intronic variant, located in intron 27 of the DNAH11 gene, results from a deletion of 16 nucleotides within intron 27 of the DNAH11 gene. These nucleotide positions are well conserved in available vertebrate species. Using the BDGP and ESEfinder splice site prediction tools, this alteration is predicted to abolish the native splice donor site; however, direct evidence is unavailable. Alterations that disrupt the canonical splice site are expected to cause aberrant splicing, resulting in an abnormal protein or a transcript that is subject to nonsense-mediated mRNA decay. As such, this alteration is classified as likely pathogenic.

NM_001277115.2(DNAH11):c.4817+1_4817+16del

Gene: DNAH11 (dynein axonemal heavy chain 11; plus strand). Cytogenetic location: 7p15.3.
Variant type: Deletion.
Coding change: c.4817+1_4817+16del on transcript NM_001277115.2 (MANE Select); the canonical splice donor site of the intron after coding-DNA position 4817 through 16 bases into the intron after coding-DNA position 4817, 16 bases deleted (GTAAGAATAAAGCTAT).
Molecular consequence: splice donor variant.
Genome position (GRCh38, 1-based): chr7:21,637,703-21,637,718, GTAAGAATAAAGCTAT deleted. VCF-style (leftmost placement, unchanged base first): chr7-21637702-GGTAAGAATAAAGCTAT-G. GRCh37 (hg19) VCF-style: chr7-21677320-GGTAAGAATAAAGCTAT-G.
Identifiers: ClinVar variation 1743317 (VCV001743317.3), dbSNP rs2534777695, ClinGen allele CA2580077044.
Genomic context (GRCh38, chr7:21,637,702, plus strand): 5'-ATGTGTTAGAAGCAACGTGCAGACCTAATCTCTATGAAAAACTTAAAGATTTACAGTCCA[GGTAAGAATAAAGCTAT>G]ATAAGATAATCAATTTACTGTAATTTTATGAAGTCTTTTTCACATACCTAATAGTATTTA-3'